The following is an entry in ClinVar:

NM_004958.4(MTOR):c.1456A>G (p.Ile486Val)

Gene: MTOR (mechanistic target of rapamycin kinase; minus strand). Cytogenetic location: 1p36.22.
Variant type: single nucleotide variant.
Coding change: c.1456A>G on transcript NM_004958.4 (MANE Select); coding-DNA position 1456, A replaced by G.
Protein change: p.Ile486Val; replaces isoleucine 486 with valine.
Molecular consequence: missense variant.
Genome position (GRCh38, 1-based): chr1:11,241,638, T>C on the plus strand (A>G on the coding strand, the complement: MTOR is on the minus strand). VCF-style: chr1-11241638-T-C. GRCh37 (hg19) VCF-style: chr1-11301695-T-C.
Other names: c.1456A>G, p.Ile486Val (NM_001386500.1); c.208A>G, p.Ile70Val (NM_001386501.1); short protein forms I486V, I70V.
Identifiers: ClinVar variation 1970858 (VCV001970858.8), dbSNP rs1648045644, ClinGen allele CA338395160.

ClinVar aggregate classification (germline): Uncertain significance. Review status: criteria provided, single submitter (1 of 4 stars). 2 submissions from 2 submitters: Uncertain significance (1). 1 of the submissions does not count toward it. Last evaluated 2022-01-12.

Conditions:
MTOR-related disorder. Also called: MTOR-related condition.

Allele frequency attached by ClinVar (database versions not stated): TOPMed 0.00001.

Submissions (2):

Labcorp Genetics (formerly Invitae), Labcorp
Classification: Uncertain significance. Last evaluated: 2022-01-12. Review status: criteria provided, single submitter. Criteria: Invitae Variant Classification Sherloc (09022015). Collection method: clinical testing. Allele origin: germline.
Comment: In summary, the available evidence is currently insufficient to determine the role of this variant in disease. Therefore, it has been classified as a Variant of Uncertain Significance. Advanced modeling of protein sequence and biophysical properties (such as structural, functional, and spatial information, amino acid conservation, physicochemical variation, residue mobility, and thermodynamic stability) performed at Invitae indicates that this missense variant is not expected to disrupt MTOR protein function. This variant has not been reported in the literature in individuals affected with MTOR-related conditions. This variant is not present in population databases (gnomAD no frequency). This sequence change replaces isoleucine, which is neutral and non-polar, with valine, which is neutral and non-polar, at codon 486 of the MTOR protein (p.Ile486Val).

PreventionGenetics, part of Exact Sciences
Classification: Uncertain significance for MTOR-related condition. Last evaluated: 2023-11-22. Review status: no assertion criteria provided. Collection method: clinical testing. Allele origin: germline. Not counted in ClinVar's aggregate classification.
Comment: The MTOR c.1456A>G variant is predicted to result in the amino acid substitution p.Ile486Val. To our knowledge, this variant has not been reported in the literature or in a large population database, indicating this variant is rare. At this time, the clinical significance of this variant is uncertain due to the absence of conclusive functional and genetic evidence.